The following is an entry in ClinVar:

NM_000143.4(FH):c.487G>A (p.Glu163Lys)

Gene: FH (fumarate hydratase; minus strand). Cytogenetic location: 1q43.
Variant type: single nucleotide variant.
Coding change: c.487G>A on transcript NM_000143.4 (MANE Select); coding-DNA position 487, G replaced by A.
Protein change: p.Glu163Lys; replaces glutamic acid 163 with lysine.
Molecular consequence: missense variant.
Genome position (GRCh38, 1-based): chr1:241,512,035, C>T on the plus strand (G>A on the coding strand, the complement: FH is on the minus strand). VCF-style: chr1-241512035-C-T. GRCh37 (hg19) VCF-style: chr1-241675335-C-T.
Other names: short protein forms E163K.
Identifiers: ClinVar variation 3230448 (VCV003230448.4), dbSNP rs2147921853, ClinGen allele CA345439996.

ClinVar aggregate classification (germline): Uncertain significance. Review status: criteria provided, multiple submitters, no conflicts (2 of 4 stars). 2 submissions from 2 submitters: Uncertain significance (2). Last evaluated 2026-03-05.

Conditions:
Hereditary cancer-predisposing syndrome. Also called: Tumor predisposition; Hereditary Cancer Syndrome; Hereditary neoplastic syndrome; Neoplastic Syndromes, Hereditary. Identifiers: Orphanet 140162, MedGen C0027672, MeSH D009386, MONDO:0015356.

Submissions (2):

Ambry Genetics
Classification: Uncertain significance for Hereditary cancer-predisposing syndrome. Last evaluated: 2026-03-05. Review status: criteria provided, single submitter. Criteria: Ambry Variant Classification Scheme 2023. Collection method: clinical testing. Allele origin: germline.
Comment: The p.E163K variant (also known as c.487G>A), located in coding exon 4 of the FH gene, results from a G to A substitution at nucleotide position 487. The glutamic acid at codon 163 is replaced by lysine, an amino acid with similar properties. This amino acid position is conserved. In addition, this alteration is predicted to be deleterious by in silico analysis. Based on the available evidence, the clinical significance of this variant remains unclear.

Labcorp Genetics (formerly Invitae), Labcorp
Classification: Uncertain significance. Last evaluated: 2024-11-07. Review status: criteria provided, single submitter. Criteria: Invitae Variant Classification Sherloc (09022015). Collection method: clinical testing. Allele origin: germline.
Comment: This sequence change replaces glutamic acid, which is acidic and polar, with lysine, which is basic and polar, at codon 163 of the FH protein (p.Glu163Lys). This variant is not present in population databases (gnomAD no frequency). This variant has not been reported in the literature in individuals affected with FH-related conditions. ClinVar contains an entry for this variant (Variation ID: 3230448). Invitae Evidence Modeling of protein sequence and biophysical properties (such as structural, functional, and spatial information, amino acid conservation, physicochemical variation, residue mobility, and thermodynamic stability) indicates that this missense variant is expected to disrupt FH protein function with a positive predictive value of 80%. In summary, the available evidence is currently insufficient to determine the role of this variant in disease. Therefore, it has been classified as a Variant of Uncertain Significance.